The following is an entry in ClinVar:

ClinVar aggregate classification (germline): Uncertain significance (1 of 4 stars; one submission).

Conditions:
MOGS-congenital disorder of glycosylation. Also called: CDG 2B; MOGS-CDG; GLUCOSIDASE I DEFICIENCY; CDG IIb. Identifiers: Orphanet 79330, MedGen C1853736, MONDO:0011629, OMIM 606056.

Submission:

Labcorp Genetics (formerly Invitae), Labcorp
Classification: Uncertain significance for MOGS-congenital disorder of glycosylation. Last evaluated: 2020-11-19. Review status: criteria provided, single submitter. Criteria: Invitae Variant Classification Sherloc (09022015). Collection method: clinical testing. Allele origin: germline.
Comment: This sequence change replaces serine with arginine at codon 719 of the MOGS protein (p.Ser719Arg). The serine residue is moderately conserved and there is a moderate physicochemical difference between serine and arginine. This variant is not present in population databases (ExAC no frequency). This variant has not been reported in the literature in individuals with MOGS-related conditions. Algorithms developed to predict the effect of missense changes on protein structure and function output the following: SIFT: "Deleterious"; PolyPhen-2: "Benign"; Align-GVGD: "Class C15". The arginine amino acid residue is found in multiple mammalian species, suggesting that this missense change does not adversely affect protein function. These predictions have not been confirmed by published functional studies and their clinical significance is uncertain. In summary, the available evidence is currently insufficient to determine the role of this variant in disease. Therefore, it has been classified as a Variant of Uncertain Significance.

NM_006302.3(MOGS):c.2157C>A (p.Ser719Arg)

Gene: MOGS (mannosyl-oligosaccharide glucosidase; minus strand). Cytogenetic location: 2p13.1.
Variant type: single nucleotide variant.
Coding change: c.2157C>A on transcript NM_006302.3 (MANE Select); coding-DNA position 2157, C replaced by A.
Protein change: p.Ser719Arg; replaces serine 719 with arginine.
Molecular consequence: missense variant.
Genome position (GRCh38, 1-based): chr2:74,461,632, G>T on the plus strand (C>A on the coding strand, the complement: MOGS is on the minus strand). VCF-style: chr2-74461632-G-T. GRCh37 (hg19) VCF-style: chr2-74688759-G-T.
Other names: c.1839C>A, p.Ser613Arg (NM_001146158.2); short protein forms S613R, S719R.
Identifiers: ClinVar variation 1346525 (VCV001346525.7), dbSNP rs1671907003, ClinGen allele CA347367379.
Genomic context (GRCh38, chr2:74,461,632, plus strand): 5'-GCCATAAAAGGAGCTGGAGGCTGCAAGGGAGCGTAAACCAAAGGGGCTCCAGAGATGGCG[G>T]CTGTCGGCTAGAATGTCCAGCAGGGGCCCAAGGCGGGATGAGGTGGGGTCCAGCAGTCGC-3'
Protein context (NP_006293.2, residues 709-729): LGPLLDILAD[Ser719Arg]RHLWSPFGLR